The following is an entry in ClinVar:

ClinVar aggregate classification (germline): Uncertain significance (1 of 4 stars; one submission).

gnomAD v4.1: 2 of 1,587,900 alleles (0.00013%); highest among the groups gnomAD compares: Non-Finnish European, 0.000086%; no homozygotes.

Submission:

Labcorp Genetics (formerly Invitae), Labcorp
Classification: Uncertain significance. Last evaluated: 2024-10-31. Review status: criteria provided, single submitter. Criteria: Invitae Variant Classification Sherloc (09022015). Collection method: clinical testing. Allele origin: germline.
Comment: This sequence change replaces serine, which is neutral and polar, with proline, which is neutral and non-polar, at codon 224 of the FLI1 protein (p.Ser224Pro). This variant is not present in population databases (gnomAD no frequency). This variant has not been reported in the literature in individuals affected with FLI1-related conditions. Invitae Evidence Modeling of protein sequence and biophysical properties (such as structural, functional, and spatial information, amino acid conservation, physicochemical variation, residue mobility, and thermodynamic stability) indicates that this missense variant is not expected to disrupt FLI1 protein function with a negative predictive value of 80%. In summary, the available evidence is currently insufficient to determine the role of this variant in disease. Therefore, it has been classified as a Variant of Uncertain Significance.

NM_002017.5(FLI1):c.670T>C (p.Ser224Pro)

Gene: FLI1 (Fli-1 proto-oncogene, ETS transcription factor; plus strand). Cytogenetic location: 11q24.3.
Variant type: single nucleotide variant.
Coding change: c.670T>C on transcript NM_002017.5 (MANE Select); coding-DNA position 670, T replaced by C.
Protein change: p.Ser224Pro; replaces serine 224 with proline.
Molecular consequence: missense variant.
Genome position (GRCh38, 1-based): chr11:128,805,380, T>C. VCF-style: chr11-128805380-T-C. GRCh37 (hg19) VCF-style: chr11-128675275-T-C.
Other names: c.571T>C, p.Ser191Pro (NM_001167681.3); c.472T>C, p.Ser158Pro (NM_001271010.2); c.91T>C, p.Ser31Pro (NM_001271012.2); short protein forms S31P, S158P, S191P, S224P.
Identifiers: ClinVar variation 3673762 (VCV003673762.2).